The following is an entry in ClinVar:

NM_001267550.2(TTN):c.2290G>A (p.Val764Ile)

Gene: TTN (titin; minus strand). Cytogenetic location: 2q31.2.
Variant type: single nucleotide variant.
Coding change: c.2290G>A on transcript NM_001267550.2 (MANE Select); coding-DNA position 2290, G replaced by A.
Protein change: p.Val764Ile; replaces valine 764 with isoleucine.
Molecular consequence: missense variant.
Genome position (GRCh38, 1-based): chr2:178,785,928, C>T on the plus strand (G>A on the coding strand, the complement: TTN is on the minus strand). VCF-style: chr2-178785928-C-T. GRCh37 (hg19) VCF-style: chr2-179650655-C-T.
Other names: c.2290G>A, p.Val764Ile (NM_001256850.1, NM_133378.4, NM_133379.5); c.2152G>A, p.Val718Ile (NM_003319.4, NM_133432.3, NM_133437.4); short protein forms V718I, V764I.
Identifiers: ClinVar variation 4084304 (VCV004084304.8).

ClinVar aggregate classification (germline): Uncertain significance (1 of 4 stars; one submission).

gnomAD v4.1: 5 of 1,614,106 alleles (0.00031%); highest among the groups gnomAD compares: Non-Finnish European, 0.00042%; no homozygotes.

Submission:

CeGaT Center for Human Genetics Tuebingen
Classification: Uncertain significance. Last evaluated: 2025-06-01. Review status: criteria provided, single submitter. Criteria: CeGaT Center For Human Genetics Tuebingen Variant Classification Criteria Version 2. Collection method: clinical testing. Allele origin: germline. Affected: yes. Observed: 1 variant allele.
Comment: TTN: PM2, BP4